The following is an entry in ClinVar:

NM_020937.4(FANCM):c.71G>T (p.Gly24Val)

Genes: FANCM (FA complementation group M; plus strand), LOC130055524 (ATAC-STARR-seq lymphoblastoid active region 8299; plus strand). Cytogenetic location: 14q21.2.
Variant type: single nucleotide variant.
Coding change: c.71G>T on transcript NM_020937.4 (MANE Select); coding-DNA position 71, G replaced by T.
Protein change: p.Gly24Val; replaces glycine 24 with valine.
Molecular consequence: missense variant.
Genome position (GRCh38, 1-based): chr14:45,136,102, G>T. VCF-style: chr14-45136102-G-T. GRCh37 (hg19) VCF-style: chr14-45605305-G-T.
Other names: c.71G>T, p.Gly24Val (NM_001308133.2, NM_001308134.2); short protein forms G24V.
Identifiers: ClinVar variation 861897 (VCV000861897.11), dbSNP rs1885468827, ClinGen allele CA389586834.
Genomic context (GRCh38, chr14:45,136,102, plus strand): 5'-GGCAAAGAACGCTTTTTCAGACGTGGGGCTCAAGTATCTCCCGATCATCTGGGACTCCGG[G>T]TTGCAGCTCCGGAACTGAGCGACCTCAGAGCCCTGGCAGCTCCAAGGCGCCTTTGCCAGC-3'
Protein context (NP_065988.1, residues 14-34): SSISRSSGTP[Gly24Val]CSSGTERPQS

ClinVar aggregate classification (germline): Uncertain significance. Review status: criteria provided, multiple submitters, no conflicts (2 of 4 stars). 2 submissions from 2 submitters: Uncertain significance (2). Last evaluated 2021-10-27.

Conditions:
Fanconi anemia (FA). Also called: Fanconi's anemia. Identifiers: Orphanet 84, MedGen C0015625, MeSH D005199, MONDO:0019391.
Spermatogenic failure 28. Identifiers: MedGen C4748117, MONDO:0054732, OMIM 618086.
Premature ovarian failure 15. Identifiers: MedGen C4748170, MONDO:0054862, OMIM 618096.

Submissions (2):

Fulgent Genetics
Classification: Uncertain significance for Spermatogenic failure 28; Premature ovarian failure 15. Last evaluated: 2021-10-27. Review status: criteria provided, single submitter. Criteria: ACMG Guidelines, 2015. Collection method: clinical testing. Allele origin: unknown.

Labcorp Genetics (formerly Invitae), Labcorp
Classification: Uncertain significance for Fanconi anemia. Last evaluated: 2019-04-22. Review status: criteria provided, single submitter. Criteria: Invitae Variant Classification Sherloc (09022015). Collection method: clinical testing. Allele origin: germline.
Comment: This sequence change replaces glycine with valine at codon 24 of the FANCM protein (p.Gly24Val). The glycine residue is weakly conserved and there is a moderate physicochemical difference between glycine and valine. This variant is not present in population databases (ExAC no frequency). This variant has not been reported in the literature in individuals with FANCM-related conditions. Algorithms developed to predict the effect of missense changes on protein structure and function are either unavailable or do not agree on the potential impact of this missense change (SIFT: "Deleterious"; PolyPhen-2: "Possibly Damaging"; Align-GVGD: "Class C0"). Algorithms developed to predict the effect of sequence changes on RNA splicing suggest that this variant may create or strengthen a splice site, but this prediction has not been confirmed by published transcriptional studies. In summary, the available evidence is currently insufficient to determine the role of this variant in disease. Therefore, it has been classified as a Variant of Uncertain Significance.